The following is an entry in ClinVar:

NM_147127.5(EVC2):c.1341_1342insT (p.Asp448Ter)

Genes: EVC2 (EvC ciliary complex subunit 2; minus strand), LOC126806961 (BRD4-independent group 4 enhancer GRCh37_chr4:5641443-5642642; plus strand). Cytogenetic location: 4p16.2.
Variant type: Insertion.
Coding change: c.1341_1342insT on transcript NM_147127.5 (MANE Select); coding-DNA positions 1341 to 1342, T inserted.
Protein change: p.Asp448Ter; replaces aspartic acid 448 with a stop codon.
Molecular consequence: nonsense.
Genome position: GRCh38 VCF-style: chr4-5640642-C-CA. GRCh37 (hg19) VCF-style: chr4-5642369-C-CA.
Other names: c.1101_1102insT, p.Asp368Ter (NM_001166136.2); short protein forms D368*, D448*.
Identifiers: ClinVar variation 950482 (VCV000950482.7), dbSNP rs1717259479, ClinGen allele CA1139658425.

ClinVar aggregate classification (germline): Pathogenic (1 of 4 stars; one submission).

Conditions:
Curry-Hall syndrome (WAD). Also called: WEYERS ACRODENTAL DYSOSTOSIS. Identifiers: Orphanet 952, MedGen C0457013, MONDO:0008673, OMIM 193530.
Ellis-van Creveld syndrome (EVC). Also called: MESOECTODERMAL DYSPLASIA; EVC-Related Ellis-van Creveld Syndrome; EVC2-Related Ellis-van Creveld Syndrome; Chondroectodermal dysplasia. Identifiers: Orphanet 289, MedGen C0013903, MONDO:0009162, OMIM 225500.

Submission:

Labcorp Genetics (formerly Invitae), Labcorp
Classification: Pathogenic for Curry-Hall syndrome; Ellis-van Creveld syndrome. Last evaluated: 2022-12-02. Review status: criteria provided, single submitter. Criteria: Invitae Variant Classification Sherloc (09022015). Collection method: clinical testing. Allele origin: germline.
Comment: This sequence change creates a premature translational stop signal (p.Asp448*) in the EVC2 gene. It is expected to result in an absent or disrupted protein product. Loss-of-function variants in EVC2 are known to be pathogenic (PMID: 17024374, 19810119, 19876929). This variant is not present in population databases (gnomAD no frequency). This variant has not been reported in the literature in individuals affected with EVC2-related conditions. ClinVar contains an entry for this variant (Variation ID: 950482). For these reasons, this variant has been classified as Pathogenic.

Literature cited by the submitters: PubMed 17024374; PubMed 19810119; PubMed 19876929.